The following is an entry in ClinVar:

NM_201384.3(PLEC):c.7730A>G (p.Glu2577Gly)

Gene: PLEC (plectin; minus strand). Cytogenetic location: 8q24.3.
Variant type: single nucleotide variant.
Coding change: c.7730A>G on transcript NM_201384.3 (MANE Select); coding-DNA position 7730, A replaced by G.
Protein change: p.Glu2577Gly; replaces glutamic acid 2577 with glycine.
Molecular consequence: missense variant.
Genome position (GRCh38, 1-based): chr8:143,922,091, T>C on the plus strand (A>G on the coding strand, the complement: PLEC is on the minus strand). VCF-style: chr8-143922091-T-C. GRCh37 (hg19) VCF-style: chr8-144996259-T-C.
Other names: c.7811A>G, p.Glu2604Gly (NM_000445.5); c.7688A>G, p.Glu2563Gly (NM_201378.4); c.7664A>G, p.Glu2555Gly (NM_201379.3); c.8141A>G, p.Glu2714Gly (NM_201380.4); c.7634A>G, p.Glu2545Gly (NM_201381.3); c.7730A>G, p.Glu2577Gly (NM_201382.4); c.7742A>G, p.Glu2581Gly (NM_201383.3); short protein forms E2545G, E2555G, E2563G, E2577G, E2581G, E2604G, E2714G.
Identifiers: ClinVar variation 420344 (VCV000420344.11), dbSNP rs549616678, ClinGen allele CA4925533.

ClinVar aggregate classification (germline): Uncertain significance. Review status: criteria provided, multiple submitters, no conflicts (2 of 4 stars). 3 submissions from 3 submitters: Uncertain significance (3). Last evaluated 2025-08-25.

Conditions:
Epidermolysis bullosa simplex with nail dystrophy (EBS5D). Identifiers: MedGen C4225309, MONDO:0014661, OMIM 616487.
Autosomal recessive limb-girdle muscular dystrophy type 2Q (LGMDR17). Also called: MUSCULAR DYSTROPHY, LIMB-GIRDLE, AUTOSOMAL RECESSIVE 17. Identifiers: Orphanet 254361, MedGen C3150989, MONDO:0013390, OMIM 613723.
Epidermolysis bullosa simplex 5B, with muscular dystrophy (EBS5B). Also called: Epidermolysis bullosa simplex with muscular dystrophy; EPIDERMOLYSIS BULLOSA SIMPLEX AND LIMB-GIRDLE MUSCULAR DYSTROPHY. Identifiers: Orphanet 257, MedGen C2931072, MONDO:0009181, OMIM 226670.
Epidermolysis bullosa simplex, Ogna type (EBS5A). Also called: Pidermolysis bullosa simplex 5A, Ogna type; EPIDERMOLYSIS BULLOSA SIMPLEX 5A, OGNA TYPE. Identifiers: Orphanet 79401, MedGen C0432317, MONDO:0007555, OMIM 131950.
Epidermolysis bullosa simplex 5C, with pyloric atresia (EBS5C). Also called: Epidermolysis bullosa simplex with pyloric atresia; PLEC1-Related Epidermolysis Bullosa with Pyloric Atresia; PLEC-Related Epidermolysis Bullosa with Pyloric Atresia. Identifiers: Orphanet 158684, MedGen C2677349, MONDO:0012807, OMIM 612138.
Inborn genetic diseases. Identifiers: MedGen C0950123, MeSH D030342.

Allele frequency attached by ClinVar (database versions not stated): gnomAD exomes 0.00001 and 0.00002; ExAC 0.00003; TOPMed 0.00009; gnomAD 0.00011; 1000 Genomes Project 0.00040; 1000 Genomes Project 30x 0.00047.
gnomAD v4.1: 29 of 1,568,868 alleles (0.0018%); highest among the groups gnomAD compares: African/African-American, 0.034%; no homozygotes.

Submissions (3):

Labcorp Genetics (formerly Invitae), Labcorp
Classification: Uncertain significance for Autosomal recessive limb-girdle muscular dystrophy type 2Q; Epidermolysis bullosa simplex, Ogna type; Epidermolysis bullosa simplex with nail dystrophy; Epidermolysis bullosa simplex 5C, with pyloric atresia; Epidermolysis bullosa simplex 5B, with muscular dystrophy. Last evaluated: 2025-08-25. Review status: criteria provided, single submitter. Criteria: Invitae Variant Classification Sherloc (09022015). Collection method: clinical testing. Allele origin: germline.
Comment: This sequence change replaces glutamic acid, which is acidic and polar, with glycine, which is neutral and non-polar, at codon 2604 of the PLEC protein (p.Glu2604Gly). This variant is present in population databases (rs549616678, gnomAD 0.04%). This variant has not been reported in the literature in individuals affected with PLEC-related conditions. ClinVar contains an entry for this variant (Variation ID: 420344). Invitae Evidence Modeling of protein sequence and biophysical properties (such as structural, functional, and spatial information, amino acid conservation, physicochemical variation, residue mobility, and thermodynamic stability) indicates that this missense variant is not expected to disrupt PLEC protein function with a negative predictive value of 80%. In summary, the available evidence is currently insufficient to determine the role of this variant in disease. Therefore, it has been classified as a Variant of Uncertain Significance.

Ambry Genetics
Classification: Uncertain significance for Inborn genetic diseases. Last evaluated: 2025-04-04. Review status: criteria provided, single submitter. Criteria: Ambry Variant Classification Scheme 2023. Collection method: clinical testing. Allele origin: germline.

GeneDx
Classification: Uncertain significance. Last evaluated: 2017-02-13. Review status: criteria provided, single submitter. Criteria: GeneDx Variant Classification (06012015). Collection method: clinical testing. Allele origin: germline. Affected: yes.
Comment: A variant of uncertain significance has been identified in the PLEC gene. The E2604G variant has not been published as a pathogenic variant, nor has it been reported as a benign variant to our knowledge. The E2604G variant is not observed at a significant frequency in large population cohorts (Lek et al., 2016; 1000 Genomes Consortium et al., 2015; Exome Variant Server). This substitution occurs at a position where amino acids with similar properties to Glutamic acid are tolerated across species. However, the E2604G variant is a non-conservative amino acid substitution, which is likely to impact secondary protein structure as these residues differ in polarity, charge, size and/or other properties. In silico analysis predicts this variant is probably damaging to the protein structure/function. Therefore, based on the currently available information, it is unclear whether this variant is a pathogenic variant or a rare benign variant.